The following is an entry in ClinVar:

ClinVar aggregate classification (germline): Benign/Likely benign. Review status: criteria provided, multiple submitters, no conflicts (2 of 4 stars). 9 submissions from 9 submitters: Benign (1); Likely benign (6). 2 of the submissions do not count toward it. Last evaluated 2026-01-06.

Conditions:
XRCC2-related disorder. Also called: XRCC2-related condition.
Fanconi anemia complementation group U. Identifiers: MedGen C4310651, MONDO:0014987, OMIM 617247.
Hereditary cancer-predisposing syndrome. Also called: Hereditary neoplastic syndrome; Neoplastic Syndromes, Hereditary; Hereditary Cancer Syndrome; Tumor predisposition. Identifiers: Orphanet 140162, MedGen C0027672, MeSH D009386, MONDO:0015356.

Allele frequency attached by ClinVar (database versions not stated): gnomAD exomes 0.00019 and 0.00053; ExAC 0.00072; gnomAD 0.00191 and 0.00205; TOPMed 0.00246; 1000 Genomes Project 0.00260; ESP Exome Variant Server 0.00269; 1000 Genomes Project 30x 0.00281.
gnomAD v4.1: 578 of 1,608,224 alleles (0.036%); highest among the groups gnomAD compares: African/African-American, 0.69%; 2 homozygotes.

Submissions (9):

Labcorp Genetics (formerly Invitae), Labcorp
Classification: Benign. Last evaluated: 2026-01-06. Review status: criteria provided, single submitter. Criteria: Invitae Variant Classification Sherloc (09022015). Collection method: clinical testing. Allele origin: germline.

Sema4
Classification: Likely benign for Hereditary cancer-predisposing syndrome. Last evaluated: 2021-08-30. Review status: criteria provided, single submitter. Criteria: Sema4 Curation Guidelines. Collection method: curation. Allele origin: germline.

Genetic Services Laboratory, University of Chicago
Classification: Likely benign. Last evaluated: 2021-06-23. Review status: criteria provided, single submitter. Criteria: ACMG Guidelines, 2015. Collection method: clinical testing. Allele origin: germline. Affected: no.
Comment: DNA sequence analysis of the XRCC2 gene demonstrated a sequence change, c.808T>G, in exon 3 that results in an amino acid change, p.Phe270Val. This sequence change does not appear to have been previously described in patients with XRCC2-related disorders and has been described in the gnomAD database with a low population frequency of 0.70% in African subpopulation (dbSNP rs145085742). The p.Phe270Val change affects a highly conserved amino acid residue located in a domain of the XRCC2 protein that is not known to be functional. The p.Phe270Val substitution appears to be deleterious using several in-silico pathogenicity prediction tools (SIFT, PolyPhen2, Align GVGD, REVEL). Due to these contrasting evidences and the lack of functional studies, the clinical significance of the p.Phe270Val change remains unknown at this time.

Mendelics
Classification: Likely benign for Fanconi anemia complementation group U. Last evaluated: 2019-05-28. Review status: criteria provided, single submitter. Criteria: Mendelics Assertion Criteria 2017. Collection method: clinical testing. Allele origin: unknown.

Ambry Genetics
Classification: Likely benign for Hereditary cancer-predisposing syndrome. Last evaluated: 2018-04-24. Review status: criteria provided, single submitter. Criteria: Ambry Variant Classification Scheme 2023. Collection method: clinical testing. Allele origin: germline.

GeneDx
Classification: Likely benign. Last evaluated: 2017-12-19. Review status: criteria provided, single submitter. Criteria: GeneDx Variant Classification (06012015). Collection method: clinical testing. Allele origin: germline. Affected: yes.
Comment: This variant is considered likely benign or benign based on one or more of the following criteria: it is a conservative change, it occurs at a poorly conserved position in the protein, it is predicted to be benign by multiple in silico algorithms, and/or has population frequency not consistent with disease.

Breakthrough Genomics
Classification: Likely benign. Review status: criteria provided, single submitter. Criteria: ACMG Guidelines, 2015. Collection method: not provided. Allele origin: germline. Inheritance: Autosomal recessive inheritance. Affected: yes.

PreventionGenetics, part of Exact Sciences
Classification: Likely benign for XRCC2-related condition. Last evaluated: 2020-09-28. Review status: no assertion criteria provided. Collection method: clinical testing. Allele origin: germline. Not counted in ClinVar's aggregate classification.
Comment: This variant is classified as likely benign based on ACMG/AMP sequence variant interpretation guidelines (Richards et al. 2015 PMID: 25741868, with internal and published modifications).

Leiden Open Variation Database
Classification: Uncertain significance. Last evaluated: 2012-05-02. Review status: no assertion criteria provided. Collection method: curation. Allele origin: germline. Affected: yes. Not counted in ClinVar's aggregate classification.
Comment: Curator: Arleen D. Auerbach. Submitter to LOVD: Johan den Dunnen.

Literature cited by the submitters: PubMed 22464251 (cited by 3 submitters); PubMed 28864920 (cited by Sema4); PubMed 27233470 (cited by Sema4).

NM_005431.2(XRCC2):c.808T>G (p.Phe270Val)

Gene: XRCC2 (X-ray repair cross complementing 2; minus strand). Cytogenetic location: 7q36.1.
Variant type: single nucleotide variant.
Coding change: c.808T>G on transcript NM_005431.2 (MANE Select); coding-DNA position 808, T replaced by G.
Protein change: p.Phe270Val; replaces phenylalanine 270 with valine.
Molecular consequence: missense variant.
Genome position (GRCh38, 1-based): chr7:152,648,677, A>C on the plus strand (T>G on the coding strand, the complement: XRCC2 is on the minus strand). VCF-style: chr7-152648677-A-C. GRCh37 (hg19) VCF-style: chr7-152345762-A-C.
Other names: p.F270V:TTT>GTT; short protein forms F270V.
Identifiers: ClinVar variation 127965 (VCV000127965.26), dbSNP rs145085742, ClinGen allele CA288151.